The following is an entry in ClinVar:

ClinVar aggregate classification (germline): Uncertain significance (1 of 4 stars; one submission).

Conditions:
Primary ciliary dyskinesia. Also called: Ciliary dyskinesia. Identifiers: Orphanet 244, MedGen C0008780, MONDO:0016575, HP:0012265.

Submission:

Labcorp Genetics (formerly Invitae), Labcorp
Classification: Uncertain significance for Primary ciliary dyskinesia. Last evaluated: 2022-11-08. Review status: criteria provided, single submitter. Criteria: Invitae Variant Classification Sherloc (09022015). Collection method: clinical testing. Allele origin: germline.
Comment: In summary, the available evidence is currently insufficient to determine the role of this variant in disease. Therefore, it has been classified as a Variant of Uncertain Significance. Advanced modeling of protein sequence and biophysical properties (such as structural, functional, and spatial information, amino acid conservation, physicochemical variation, residue mobility, and thermodynamic stability) performed at Invitae indicates that this missense variant is not expected to disrupt DNAAF5 protein function. This variant has not been reported in the literature in individuals affected with DNAAF5-related conditions. This variant is not present in population databases (gnomAD no frequency). This sequence change replaces isoleucine, which is neutral and non-polar, with valine, which is neutral and non-polar, at codon 744 of the DNAAF5 protein (p.Ile744Val).

NM_017802.4(DNAAF5):c.2230A>G (p.Ile744Val)

Gene: DNAAF5 (dynein axonemal assembly factor 5; plus strand). Cytogenetic location: 7p22.3.
Variant type: single nucleotide variant.
Coding change: c.2230A>G on transcript NM_017802.4 (MANE Select); coding-DNA position 2230, A replaced by G.
Protein change: p.Ile744Val; replaces isoleucine 744 with valine.
Molecular consequence: missense variant. On other transcripts: non-coding transcript variant (1).
Genome position (GRCh38, 1-based): chr7:775,153, A>G. VCF-style: chr7-775153-A-G. GRCh37 (hg19) VCF-style: chr7-814790-A-G.
Other names: short protein forms I744V.
Identifiers: ClinVar variation 1714241 (VCV001714241.6), dbSNP rs2484170745, ClinGen allele CA366546508.